The following is an entry in ClinVar:

NM_014918.5(CHSY1):c.868A>C (p.Arg290=)

Gene: CHSY1 (chondroitin sulfate synthase 1; minus strand). Cytogenetic location: 15q26.3.
Variant type: single nucleotide variant.
Coding change: c.868A>C on transcript NM_014918.5 (MANE Select); coding-DNA position 868, A replaced by C.
Protein change: p.Arg290=; no amino-acid change (arginine 290 retained).
Molecular consequence: synonymous variant.
Genome position (GRCh38, 1-based): chr15:101,178,929, T>G on the plus strand (A>C on the coding strand, the complement: CHSY1 is on the minus strand). VCF-style: chr15-101178929-T-G. GRCh37 (hg19) VCF-style: chr15-101719134-T-G.
Identifiers: ClinVar variation 3057741 (VCV003057741.3), dbSNP rs2038237333, ClinGen allele CA492991325.

ClinVar aggregate classification (germline): Likely benign. Review status: criteria provided, single submitter (1 of 4 stars). 2 submissions from 2 submitters: Likely benign (1). 1 of the submissions does not count toward it. Last evaluated 2025-12-17.

Conditions:
Temtamy preaxial brachydactyly syndrome (TPBS). Identifiers: Orphanet 363417, MedGen C1854466, MONDO:0011533, OMIM 605282.
CHSY1-related disorder. Also called: CHSY1-related condition.

Submissions (2):

Labcorp Genetics (formerly Invitae), Labcorp
Classification: Likely benign for Temtamy preaxial brachydactyly syndrome. Last evaluated: 2025-12-17. Review status: criteria provided, single submitter. Criteria: Invitae Variant Classification Sherloc (09022015). Collection method: clinical testing. Allele origin: germline.

PreventionGenetics, part of Exact Sciences
Classification: Likely benign for CHSY1-related condition. Last evaluated: 2019-03-21. Review status: no assertion criteria provided. Collection method: clinical testing. Allele origin: germline. Not counted in ClinVar's aggregate classification.
Comment: This variant is classified as likely benign based on ACMG/AMP sequence variant interpretation guidelines (Richards et al. 2015 PMID: 25741868, with internal and published modifications).